The following is an entry in ClinVar:

NM_007118.4(TRIO):c.2891C>T (p.Ala964Val)

Gene: TRIO (trio Rho guanine nucleotide exchange factor; plus strand). Cytogenetic location: 5p15.2.
Variant type: single nucleotide variant.
Coding change: c.2891C>T on transcript NM_007118.4 (MANE Select); coding-DNA position 2891, C replaced by T.
Protein change: p.Ala964Val; replaces alanine 964 with valine.
Molecular consequence: missense variant. On other transcripts: non-coding transcript variant (1).
Genome position (GRCh38, 1-based): chr5:14,368,724, C>T. VCF-style: chr5-14368724-C-T. GRCh37 (hg19) VCF-style: chr5-14368833-C-T.
Other names: short protein forms A964V.
Identifiers: ClinVar variation 873492 (VCV000873492.4), dbSNP rs1471812228, ClinGen allele CA359215027.

ClinVar aggregate classification (germline): Uncertain significance (1 of 4 stars; one submission).

Conditions:
Intellectual developmental disorder, autosomal dominant 44, with microcephaly. Also called: Micrognathia-recurrent infections-behavioral abnormalities-mild intellectual disability syndrome; TRIO-Related Intellectual Disability. Identifiers: Orphanet 476126, MedGen C4310740, MONDO:0014892, OMIM 617061.

Allele frequency attached by ClinVar (database versions not stated): TOPMed below 0.00001; gnomAD exomes below 0.00001 and 0.00001.

Submission:

Illumina Laboratory Services, Illumina
Classification: Uncertain significance for Mental retardation, autosomal dominant 44. Last evaluated: 2020-02-26. Review status: criteria provided, single submitter. Criteria: ICSLVariantClassificationCriteria RUGD 01 April 2020. Collection method: clinical testing. Allele origin: unknown.
Comment: The TRIO c.2891C>T (p.Ala964Val) variant is a missense variant. A literature search was performed for the gene, cDNA change, and amino acid change. No publications were found based on this search. This variant is found at a frequency of 0.000163 in the Other population of the Genome Aggregation Database though this is based on one allele in a region of good sequence coverage so the variant is presumed to be rare. Based on the limited evidence, the p.Ala964Val variant is classified as a variant of unknown significance for TRIO-related intellectual disability.